The following is an entry in ClinVar:

NM_003235.5(TG):c.1105C>T (p.Gln369Ter)

Gene: TG (thyroglobulin; plus strand). Cytogenetic location: 8q24.22.
Variant type: single nucleotide variant.
Coding change: c.1105C>T on transcript NM_003235.5 (MANE Select); coding-DNA position 1105, C replaced by T.
Protein change: p.Gln369Ter; replaces glutamine 369 with a stop codon.
Molecular consequence: nonsense.
Genome position (GRCh38, 1-based): chr8:132,886,477, C>T. VCF-style: chr8-132886477-C-T. GRCh37 (hg19) VCF-style: chr8-133898722-C-T.
Other names: short protein forms Q369*.
Identifiers: ClinVar variation 2781778 (VCV002781778.3), dbSNP rs1815438013, ClinGen allele CA372229025.

ClinVar aggregate classification (germline): Pathogenic (1 of 4 stars; one submission).

Allele frequency attached by ClinVar (database versions not stated): gnomAD exomes below 0.00001.
gnomAD v4.1: 1 of 1,614,188 alleles (0.000062%); highest among the groups gnomAD compares: Non-Finnish European, 0.000085%; no homozygotes.

Submission:

Labcorp Genetics (formerly Invitae), Labcorp
Classification: Pathogenic. Last evaluated: 2023-03-18. Review status: criteria provided, single submitter. Criteria: Invitae Variant Classification Sherloc (09022015). Collection method: clinical testing. Allele origin: germline.
Comment: For these reasons, this variant has been classified as Pathogenic. This variant has not been reported in the literature in individuals affected with TG-related conditions. This variant is not present in population databases (gnomAD no frequency). This sequence change creates a premature translational stop signal (p.Gln369*) in the TG gene. It is expected to result in an absent or disrupted protein product. Loss-of-function variants in TG are known to be pathogenic (PMID: 19837936, 23164529).

Literature cited by the submitters: PubMed 19837936; PubMed 23164529.